The following is an entry in ClinVar:

ClinVar aggregate classification (germline): Uncertain significance (1 of 4 stars; one submission).

gnomAD v4.1: 7 of 1,600,322 alleles (0.00044%); highest among the groups gnomAD compares: Admixed American, 0.0035%; no homozygotes.

Submission:

Labcorp Genetics (formerly Invitae), Labcorp
Classification: Uncertain significance. Last evaluated: 2025-01-22. Review status: criteria provided, single submitter. Criteria: Invitae Variant Classification Sherloc (09022015). Collection method: clinical testing. Allele origin: germline.
Comment: This sequence change replaces alanine, which is neutral and non-polar, with threonine, which is neutral and polar, at codon 766 of the TNFAIP3 protein (p.Ala766Thr). This variant is present in population databases (rs5029957, gnomAD 0.006%). This variant has not been reported in the literature in individuals affected with TNFAIP3-related conditions. An algorithm developed to predict the effect of missense changes on protein structure and function (PolyPhen-2) suggests that this variant is likely to be disruptive. In summary, the available evidence is currently insufficient to determine the role of this variant in disease. Therefore, it has been classified as a Variant of Uncertain Significance.

NM_001270508.2(TNFAIP3):c.2296G>A (p.Ala766Thr)

Gene: TNFAIP3 (TNF alpha induced protein 3; plus strand). Cytogenetic location: 6q23.3.
Variant type: single nucleotide variant.
Coding change: c.2296G>A on transcript NM_001270508.2 (MANE Select); coding-DNA position 2296, G replaced by A.
Protein change: p.Ala766Thr; replaces alanine 766 with threonine.
Molecular consequence: missense variant.
Genome position (GRCh38, 1-based): chr6:137,881,242, G>A. VCF-style: chr6-137881242-G-A. GRCh37 (hg19) VCF-style: chr6-138202379-G-A.
Other names: c.2296G>A, p.Ala766Thr (NM_001270507.2, NM_006290.4); short protein forms A766T.
Identifiers: ClinVar variation 3682727 (VCV003682727.2).